The following is an entry in ClinVar:

NM_001379291.1(BRD4):c.3290G>C (p.Arg1097Pro)

Gene: BRD4 (bromodomain containing 4; minus strand). Cytogenetic location: 19p13.12.
Variant type: single nucleotide variant.
Coding change: c.3290G>C on transcript NM_001379291.1 (MANE Select); coding-DNA position 3290, G replaced by C.
Protein change: p.Arg1097Pro; replaces arginine 1097 with proline.
Molecular consequence: missense variant.
Genome position (GRCh38, 1-based): chr19:15,239,814, C>G on the plus strand (G>C on the coding strand, the complement: BRD4 is on the minus strand). VCF-style: chr19-15239814-C-G. GRCh37 (hg19) VCF-style: chr19-15350625-C-G.
Other names: c.3290G>C, p.Arg1097Pro (NM_058243.3); short protein forms R1097P.
Identifiers: ClinVar variation 3701902 (VCV003701902.2).

ClinVar aggregate classification (germline): Uncertain significance (1 of 4 stars; one submission).

gnomAD v4.1: 26 of 1,613,656 alleles (0.0016%); highest among the groups gnomAD compares: Non-Finnish European, 0.0019%; 1 homozygote.

Submission:

Labcorp Genetics (formerly Invitae), Labcorp
Classification: Uncertain significance. Last evaluated: 2024-06-24. Review status: criteria provided, single submitter. Criteria: Invitae Variant Classification Sherloc (09022015). Collection method: clinical testing. Allele origin: germline.
Comment: This sequence change replaces arginine, which is basic and polar, with proline, which is neutral and non-polar, at codon 1097 of the BRD4 protein (p.Arg1097Pro). This variant is present in population databases (rs35676845, gnomAD 0.004%). This variant has not been reported in the literature in individuals affected with BRD4-related conditions. An algorithm developed to predict the effect of missense changes on protein structure and function (PolyPhen-2) suggests that this variant is likely to be disruptive. In summary, the available evidence is currently insufficient to determine the role of this variant in disease. Therefore, it has been classified as a Variant of Uncertain Significance.